The following is an entry in ClinVar:

NM_001173464.2(KIF21A):c.*645T>G

Gene: KIF21A (kinesin family member 21A; minus strand). Cytogenetic location: 12q12.
Variant type: single nucleotide variant.
Coding change: c.*645T>G on transcript NM_001173464.2 (MANE Select); 645 bases downstream of the stop codon, T replaced by G.
Molecular consequence: 3 prime UTR variant.
Genome position (GRCh38, 1-based): chr12:39,293,779, A>C on the plus strand (T>G on the coding strand, the complement: KIF21A is on the minus strand). VCF-style: chr12-39293779-A-C. GRCh37 (hg19) VCF-style: chr12-39687581-A-C.
Other names: c.*645T>G (NM_001173463.2, NM_001173465.2, NM_017641.4).
Identifiers: ClinVar variation 308536 (VCV000308536.5), dbSNP rs554887830, ClinGen allele CA10642058.
Genomic context (GRCh38, chr12:39,293,779, plus strand): 5'-TATGCACAGCACTGGAAAAAAAAAAAAAAATTAACAGCATTTTAGTCCTGAGCACAGAAT[A>C]TAGTAGAGCTGCAAAACTTTGGTCAATACAAGTAAATGCCAACATTTAACACAAACTGTC-3'

ClinVar aggregate classification (germline): Benign (1 of 4 stars; one submission).

Conditions:
Congenital fibrosis of extraocular muscles type 1. Also called: CFEOM3B; BLEPHAROPTOSIS WITH ABSENT EYE MOVEMENTS; OPHTHALMOPLEGIA, CONGENITAL; FEOM1 LOCUS. Identifiers: MedGen C1851102, MONDO:0021083, OMIM 135700.

Allele frequency attached by ClinVar (database versions not stated): TOPMed 0.00078; 1000 Genomes Project 30x 0.00094; gnomAD 0.00071 and 0.00082; 1000 Genomes Project 0.00080; gnomAD exomes 0.00124.
gnomAD v4.1: 125 of 153,062 alleles (0.082%); highest among the groups gnomAD compares: South Asian, 0.41%; no homozygotes.

Submission:

Illumina Laboratory Services, Illumina
Classification: Benign for Congenital fibrosis of extraocular muscles type 1. Last evaluated: 2018-01-13. Review status: criteria provided, single submitter. Criteria: ICSL Variant Classification Criteria 13 December 2019. Collection method: clinical testing. Allele origin: germline.
Comment: This variant was observed in the ICSL laboratory as part of a predisposition screen in an ostensibly healthy population. It had not been previously curated by ICSL or reported in the Human Gene Mutation Database (HGMD: prior to June 1st, 2018), and was therefore a candidate for classification through an automated scoring system. Utilizing variant allele frequency, disease prevalence and penetrance estimates, and inheritance mode, an automated score was calculated to assess if this variant is too frequent to cause the disease. Based on the score and internal cut-off values, a variant classified as benign is not then subjected to further curation. The score for this variant resulted in a classification of benign for this disease.